The following is an entry in ClinVar:

NM_001278293.3(ARL6):c.185+1G>C

Gene: ARL6 (ARF like GTPase 6; plus strand). Cytogenetic location: 3q11.2.
Variant type: single nucleotide variant.
Coding change: c.185+1G>C on transcript NM_001278293.3 (MANE Select); the canonical splice donor site of the intron after coding-DNA position 185, G replaced by C.
Molecular consequence: splice donor variant.
Genome position (GRCh38, 1-based): chr3:97,780,221, G>C. VCF-style: chr3-97780221-G-C. GRCh37 (hg19) VCF-style: chr3-97499065-G-C.
Other names: c.185+1G>C (NM_032146.5, NM_177976.3, NM_001323513.2 and 1 more transcripts).
Identifiers: ClinVar variation 576069 (VCV000576069.11), dbSNP rs1559679965, ClinGen allele CA353585855.

ClinVar aggregate classification (germline): Pathogenic/Likely pathogenic. Review status: criteria provided, multiple submitters, no conflicts (2 of 4 stars). 3 submissions from 3 submitters: Pathogenic (2); Likely pathogenic (1). Last evaluated 2025-09-02.

Conditions:
Retinitis pigmentosa 55 (RP55). Identifiers: Orphanet 791, MedGen C3150808, MONDO:0013312, OMIM 613575.
Bardet-Biedl syndrome 3 (BBS3). Identifiers: Orphanet 110, MedGen C1859564, MONDO:0010832, OMIM 600151.
ARL6-related disorder. Also called: ARL6-related condition.

Submissions (3):

Labcorp Genetics (formerly Invitae), Labcorp
Classification: Pathogenic for Retinitis pigmentosa 55; Bardet-Biedl syndrome 3. Last evaluated: 2025-09-02. Review status: criteria provided, single submitter. Criteria: Invitae Variant Classification Sherloc (09022015). Collection method: clinical testing. Allele origin: germline.
Comment: This sequence change affects a donor splice site in intron 4 of the ARL6 gene. It is expected to disrupt RNA splicing. Variants that disrupt the donor or acceptor splice site typically lead to a loss of protein function (PMID: 16199547), and loss-of-function variants in ARL6 are known to be pathogenic (PMID: 15258860, 19858128, 20142850, 22334370, 27486776, 31736247). This variant is not present in population databases (gnomAD no frequency). Disruption of this splice site has been observed in individual(s) with clinical features of ARL6-related disease (internal data). It has also been observed to segregate with disease in related individuals. ClinVar contains an entry for this variant (Variation ID: 576069). Algorithms developed to predict the effect of sequence changes on RNA splicing suggest that this variant may disrupt the consensus splice site. For these reasons, this variant has been classified as Pathogenic.

PreventionGenetics, part of Exact Sciences
Classification: Likely pathogenic for ARL6-related condition. Last evaluated: 2025-07-02. Review status: criteria provided, single submitter. Criteria: ACMG Guidelines, 2015. Collection method: clinical testing. Allele origin: germline.
Comment: The ARL6 c.185+1G>C variant is predicted to disrupt the GT donor site and interfere with normal splicing. To our knowledge, this variant has not been reported in the literature or in a large population database, indicating this variant is rare. A different nucleotide substitution affecting the same splice donor site (c.185+1G>A) has been reported in an individual with retinitis pigmentosa (Neveling et al. 2012. PubMed ID: 22334370). Variants that disrupt the consensus splice donor site in ARL6 are expected to be pathogenic. This variant is interpreted as likely pathogenic.

Greenwood Genetic Center Diagnostic Laboratories, Greenwood Genetic Center
Classification: Pathogenic for ARL6-related disorder. Last evaluated: 2024-10-17. Review status: criteria provided, single submitter. Criteria: ACMG Guidelines, 2015. Collection method: clinical testing. Allele origin: germline. Affected: yes.
Comment: PVS1, PM2, PM3_Supporting

Literature cited by the submitters: PubMed 16199547 (cited by Labcorp Genetics (formerly Invitae), Labcorp); PubMed 15258860 (cited by Labcorp Genetics (formerly Invitae), Labcorp); PubMed 19858128 (cited by Labcorp Genetics (formerly Invitae), Labcorp); PubMed 20142850 (cited by Labcorp Genetics (formerly Invitae), Labcorp); PubMed 22334370 (cited by Labcorp Genetics (formerly Invitae), Labcorp); PubMed 27486776 (cited by Labcorp Genetics (formerly Invitae), Labcorp); PubMed 31736247 (cited by Labcorp Genetics (formerly Invitae), Labcorp).